The following is an entry in ClinVar:

ClinVar aggregate classification (germline): Uncertain significance (1 of 4 stars; one submission).

Conditions:
Glycogen storage disease due to muscle and heart glycogen synthase deficiency. Also called: GSD 0b; MUSCLE GLYCOGEN SYNTHASE DEFICIENCY. Identifiers: Orphanet 137625, MedGen C1969054, MONDO:0012693, OMIM 611556.

Allele frequency attached by ClinVar (database versions not stated): gnomAD exomes below 0.00001; ExAC 0.00001.
gnomAD v4.1: 2 of 1,613,892 alleles (0.00012%); highest among the groups gnomAD compares: Non-Finnish European, 0.00017%; no homozygotes.

Submission:

Labcorp Genetics (formerly Invitae), Labcorp
Classification: Uncertain significance for Glycogen storage disease due to muscle and heart glycogen synthase deficiency. Last evaluated: 2021-07-12. Review status: criteria provided, single submitter. Criteria: Invitae Variant Classification Sherloc (09022015). Collection method: clinical testing. Allele origin: germline.
Comment: Algorithms developed to predict the effect of missense changes on protein structure and function (SIFT, PolyPhen-2, Align-GVGD) all suggest that this variant is likely to be tolerated. In summary, the available evidence is currently insufficient to determine the role of this variant in disease. Therefore, it has been classified as a Variant of Uncertain Significance. This variant has not been reported in the literature in individuals affected with GYS1-related conditions. This sequence change replaces lysine with glutamic acid at codon 97 of the GYS1 protein (p.Lys97Glu). The lysine residue is moderately conserved and there is a small physicochemical difference between lysine and glutamic acid. This variant is present in population databases (rs764543224, ExAC 0.002%).

NM_002103.5(GYS1):c.289A>G (p.Lys97Glu)

Gene: GYS1 (glycogen synthase 1; minus strand). Cytogenetic location: 19q13.33.
Variant type: single nucleotide variant.
Coding change: c.289A>G on transcript NM_002103.5 (MANE Select); coding-DNA position 289, A replaced by G.
Protein change: p.Lys97Glu; replaces lysine 97 with glutamic acid.
Molecular consequence: missense variant.
Genome position (GRCh38, 1-based): chr19:48,991,313, T>C on the plus strand (A>G on the coding strand, the complement: GYS1 is on the minus strand). VCF-style: chr19-48991313-T-C. GRCh37 (hg19) VCF-style: chr19-49494570-T-C.
Other names: c.289A>G, p.Lys97Glu (NM_001161587.2); short protein forms K97E.
Identifiers: ClinVar variation 1345774 (VCV001345774.8), dbSNP rs764543224, ClinGen allele CA9563405.
Genomic context (GRCh38, chr19:48,991,313, plus strand): 5'-GATGGCAGGCTGTCCACCCGCTTCTGCCCTGGGCTGGGCCACGTCCCACCTTGCAGCCCT[T>C]GCTGTTCATGGAATCCAGTGTCCTCTTCAGGGCCGGGGTGGGGGCCTCCAGCAGTTCCAC-3'
Protein context (NP_002094.2, residues 87-107): LKRTLDSMNS[Lys97Glu]GCKVYFGRWL